The following is an entry in ClinVar:

ClinVar aggregate classification (germline): Uncertain significance. Review status: criteria provided, multiple submitters, no conflicts (2 of 4 stars). 2 submissions from 2 submitters: Uncertain significance (2). Last evaluated 2025-04-20.

Allele frequency attached by ClinVar (database versions not stated): gnomAD 0.00003; TOPMed 0.00003.

Submissions (2):

Labcorp Genetics (formerly Invitae), Labcorp
Classification: Uncertain significance. Last evaluated: 2025-04-20. Review status: criteria provided, single submitter. Criteria: Invitae Variant Classification Sherloc (09022015). Collection method: clinical testing. Allele origin: germline.
Comment: This sequence change replaces glycine, which is neutral and non-polar, with serine, which is neutral and polar, at codon 324 of the SUCLG2 protein (p.Gly324Ser). This variant is present in population databases (rs200728731, gnomAD 0.004%). This variant has not been reported in the literature in individuals affected with SUCLG2-related conditions. ClinVar contains an entry for this variant (Variation ID: 2151143). An algorithm developed to predict the effect of missense changes on protein structure and function (PolyPhen-2) suggests that this variant is likely to be disruptive. Algorithms developed to predict the effect of sequence changes on RNA splicing suggest that this variant may create or strengthen a splice site. In summary, the available evidence is currently insufficient to determine the role of this variant in disease. Therefore, it has been classified as a Variant of Uncertain Significance.

Ambry Genetics
Classification: Uncertain significance. Last evaluated: 2021-06-18. Review status: criteria provided, single submitter. Criteria: Ambry Variant Classification Scheme 2023. Collection method: clinical testing. Allele origin: germline.

NM_003848.4(SUCLG2):c.970G>A (p.Gly324Ser)

Gene: SUCLG2 (succinate-CoA ligase GDP-forming subunit beta; minus strand). Cytogenetic location: 3p14.1.
Variant type: single nucleotide variant.
Coding change: c.970G>A on transcript NM_003848.4 (MANE Select); coding-DNA position 970, G replaced by A.
Protein change: p.Gly324Ser; replaces glycine 324 with serine.
Molecular consequence: missense variant.
Genome position (GRCh38, 1-based): chr3:67,495,890, C>T on the plus strand (G>A on the coding strand, the complement: SUCLG2 is on the minus strand). VCF-style: chr3-67495890-C-T. GRCh37 (hg19) VCF-style: chr3-67546314-C-T.
Other names: c.970G>A, p.Gly324Ser (NM_001177599.2); c.970G>A (NM_001177599.1); short protein forms G324S.
Identifiers: ClinVar variation 2151143 (VCV002151143.5), dbSNP rs200728731, ClinGen allele CA76747154.
Genomic context (GRCh38, chr3:67,495,890, plus strand): 5'-GATATACTTGAGCTTCCTTTACACCACCTCCAAGATCCAAGAAGTTGGCTGGCTTCCCAC[C>T]ATTAAGGAAAATGATATCACAAGTAGCCATGGCGAGCCCAGCACCATTCACTGTGAAATG-3'
Protein context (NP_003839.2, residues 314-334): MATCDIIFLN[Gly324Ser]GKPANFLDLG